The following is an entry in ClinVar:

ClinVar aggregate classification (germline): Uncertain significance (1 of 4 stars; one submission).

Conditions:
Dyskeratosis congenita, autosomal recessive 6 (DKCB6). Identifiers: MedGen C4225356, MONDO:0014600, OMIM 616353.
Pulmonary fibrosis and/or bone marrow failure, Telomere-related, 4. Also called: PULMONARY FIBROSIS AND/OR BONE MARROW FAILURE SYNDROME, TELOMERE-RELATED, 4. Identifiers: Orphanet 2032, MedGen C4225347, MONDO:0014612, OMIM 616371.

Allele frequency attached by ClinVar (database versions not stated): ExAC 0.00001; TOPMed 0.00001; gnomAD exomes 0.00002.
gnomAD v4.1: 10 of 1,612,862 alleles (0.00062%); highest among the groups gnomAD compares: South Asian, 0.0011%; no homozygotes.

Submission:

Labcorp Genetics (formerly Invitae), Labcorp
Classification: Uncertain significance for Dyskeratosis congenita, autosomal recessive 6; Pulmonary fibrosis and/or bone marrow failure, Telomere-related, 4. Last evaluated: 2025-07-30. Review status: criteria provided, single submitter. Criteria: Invitae Variant Classification Sherloc (09022015). Collection method: clinical testing. Allele origin: germline.
Comment: This sequence change replaces leucine, which is neutral and non-polar, with phenylalanine, which is neutral and non-polar, at codon 12 of the PARN protein (p.Leu12Phe). This variant is present in population databases (rs777848795, gnomAD 0.002%). This variant has not been reported in the literature in individuals affected with PARN-related conditions. ClinVar contains an entry for this variant (Variation ID: 663050). Invitae Evidence Modeling of protein sequence and biophysical properties (such as structural, functional, and spatial information, amino acid conservation, physicochemical variation, residue mobility, and thermodynamic stability) indicates that this missense variant is not expected to disrupt PARN protein function with a negative predictive value of 80%. In summary, the available evidence is currently insufficient to determine the role of this variant in disease. Therefore, it has been classified as a Variant of Uncertain Significance.

NM_002582.4(PARN):c.34C>T (p.Leu12Phe)

Gene: PARN (poly(A)-specific ribonuclease; minus strand). Cytogenetic location: 16p13.12.
Variant type: single nucleotide variant.
Coding change: c.34C>T on transcript NM_002582.4 (MANE Select); coding-DNA position 34, C replaced by T.
Protein change: p.Leu12Phe; replaces leucine 12 with phenylalanine.
Molecular consequence: missense variant. On other transcripts: 5 prime UTR variant (1).
Genome position (GRCh38, 1-based): chr16:14,629,660, G>A on the plus strand (C>T on the coding strand, the complement: PARN is on the minus strand). VCF-style: chr16-14629660-G-A. GRCh37 (hg19) VCF-style: chr16-14723517-G-A.
Other names: c.34C>T, p.Leu12Phe (LRG_1286t1, NM_001242992.2); c.-150C>T (NM_001134477.3); short protein forms L12F.
Identifiers: ClinVar variation 663050 (VCV000663050.9), dbSNP rs777848795, ClinGen allele CA7912561.